The following is an entry in ClinVar:

ClinVar aggregate classification (germline): Conflicting classifications of pathogenicity. Review status: criteria provided, conflicting classifications (1 of 4 stars). 5 submissions from 5 submitters: Uncertain significance (3); Benign (1); Likely benign (1). Last evaluated 2026-01-08.

Conditions:
Diamond-Blackfan anemia 1 (DBA1). Also called: RPS19-Related Diamond-Blackfan Anemia; ERYTHROGENESIS IMPERFECTA; BLACKFAN-DIAMOND SYNDROME; ANEMIA, CONGENITAL HYPOPLASTIC, OF BLACKFAN AND DIAMOND; ANEMIA, CONGENITAL ERYTHROID HYPOPLASTIC; RED CELL APLASIA, PURE, HEREDITARY. Identifiers: Orphanet 124, MedGen C2676137, MONDO:0007110, OMIM 105650.
Diamond-Blackfan anemia. Also called: Blackfan Diamond syndrome; Aregenerative anemia chronic congenital; Red cell aplasia, pure hereditary; Congenital hypoplastic anemia; Aase syndrome. Identifiers: Orphanet 124, MedGen C1260899, MeSH D029503, MONDO:0015253, HP:0004810.

Allele frequency attached by ClinVar (database versions not stated): ExAC 0.00019; gnomAD exomes 0.00020 and 0.00041; TOPMed 0.00021; ESP Exome Variant Server 0.00023; gnomAD 0.00028 and 0.00029; 1000 Genomes Project 30x 0.00031.
gnomAD v4.1: 632 of 1,613,402 alleles (0.039%); highest among the groups gnomAD compares: Non-Finnish European, 0.051%; no homozygotes.

Submissions (6):

Labcorp Genetics (formerly Invitae), Labcorp
Classification: Uncertain significance for Diamond-Blackfan anemia. Last evaluated: 2026-01-08. Review status: criteria provided, single submitter. Criteria: Invitae Variant Classification Sherloc (09022015). Collection method: clinical testing. Allele origin: germline.
Comment: This sequence change replaces lysine, which is basic and polar, with arginine, which is basic and polar, at codon 23 of the RPS19 protein (p.Lys23Arg). This variant is present in population databases (rs143477104, gnomAD 0.04%), and has an allele count higher than expected for a pathogenic variant. This variant has not been reported in the literature in individuals affected with RPS19-related conditions. ClinVar contains an entry for this variant (Variation ID: 329392). An algorithm developed to predict the effect of missense changes on protein structure and function (PolyPhen-2) suggests that this variant is likely to be tolerated. In summary, the available evidence is currently insufficient to determine the role of this variant in disease. Therefore, it has been classified as a Variant of Uncertain Significance.

Ambry Genetics
Classification: Likely benign for Diamond-Blackfan anemia. Last evaluated: 2022-05-10. Review status: criteria provided, single submitter. Criteria: Ambry Variant Classification Scheme 2023. Collection method: clinical testing. Allele origin: germline.

Genetic Services Laboratory, University of Chicago
Classification: Uncertain significance. Last evaluated: 2020-01-17. Review status: criteria provided, single submitter. Criteria: ACMG Guidelines, 2015. Collection method: clinical testing. Allele origin: germline. Affected: no.
Comment: DNA sequence analysis of the RPS19 gene demonstrated a sequence change, c.68A>G, in exon 2 that results in an amino acid change, p.Lys23Arg. This sequence change does not appear to have been previously described in patients with RPS19-related disorders and has been described in the gnomAD database with a frequency of 0.04% in European populations (dbSNP rs143477104). The p.Lys23Arg change affects a moderately conserved amino acid residue located in a domain of the RPS19 protein that is known to be functional. In-silico pathogenicity prediction tools (SIFT, PolyPhen2, Align GVGD, REVEL) provide contradictory results for the p.Lys23Arg substitution. Due to these contrasting evidences and the lack of functional studies, the clinical significance of the p.Lys23Arg change remains unknown at this time.

GeneDx
Classification: Uncertain significance. Last evaluated: 2019-10-28. Review status: criteria provided, single submitter. Criteria: GeneDx Variant Classification Process June 2021. Collection method: clinical testing. Allele origin: germline. Affected: yes.
Comment: The majority of missense variants in this gene are considered pathogenic (Stenson et al., 2014); In silico analysis, which includes protein predictors and evolutionary conservation, supports a deleterious effect; Identified as a common polymorphism in the RPS19 gene, and authors presumed this variant to be benign (Aspesi et al., 2018); This variant is associated with the following publications: (PMID: 29766597)

Illumina Laboratory Services, Illumina
Classification: Benign for Diamond-Blackfan anemia 1. Last evaluated: 2018-01-13. Review status: criteria provided, single submitter. Criteria: ICSL Variant Classification Criteria 13 December 2019. Collection method: clinical testing. Allele origin: germline.
Comment: This variant was observed in the ICSL laboratory as part of a predisposition screen in an ostensibly healthy population. It had not been previously curated by ICSL or reported in the Human Gene Mutation Database (HGMD: prior to June 1st, 2018), and was therefore a candidate for classification through an automated scoring system. Utilizing variant allele frequency, disease prevalence and penetrance estimates, and inheritance mode, an automated score was calculated to assess if this variant is too frequent to cause the disease. Based on the score and internal cut-off values, a variant classified as benign is not then subjected to further curation. The score for this variant resulted in a classification of benign for this disease.

Dr. Peter K. Rogan Lab, Western University
No classification provided (evidence only). Condition: Malignant tumor of urinary bladder. Review status: no classification provided. Collection method: in vitro. Allele origin: not applicable. Functional consequence: retained intron. Not counted in ClinVar's aggregate classification.

NM_001022.4(RPS19):c.68A>G (p.Lys23Arg)

Genes: RPS19 (ribosomal protein S19; plus strand), RPS19-CD79A (RPS19-CD79A readthrough; plus strand). Cytogenetic location: 19q13.2.
Variant type: single nucleotide variant.
Coding change: c.68A>G on transcript NM_001022.4 (MANE Select); coding-DNA position 68, A replaced by G.
Protein change: p.Lys23Arg; replaces lysine 23 with arginine.
Molecular consequence: missense variant.
Genome position (GRCh38, 1-based): chr19:41,860,842, A>G. VCF-style: chr19-41860842-A-G. GRCh37 (hg19) VCF-style: chr19-42364912-A-G.
Other names: c.68A>G, p.Lys23Arg (NM_001321483.2, NM_001321484.2, NM_001321485.2); short protein forms K23R.
Identifiers: ClinVar variation 329392 (VCV000329392.22), dbSNP rs143477104, ClinGen allele CA9465269.
Genomic context (GRCh38, chr19:41,860,842, plus strand): 5'-GAGTTACTGTAAAAGACGTGAACCAGCAGGAGTTCGTCAGAGCTCTGGCAGCCTTCCTCA[A>G]AAAGTGAGTTTGGGGACTGAGGTTCAAAACGGGTGGAGGCTGTCGCCTTGGCCTGCCCAT-3'
Protein context (NP_001013.1, residues 13-33): EFVRALAAFL[Lys23Arg]KSGKLKVPEW